The following is an entry in ClinVar:

ClinVar aggregate classification (germline): Uncertain significance. Review status: criteria provided, multiple submitters, no conflicts (2 of 4 stars). 2 submissions from 2 submitters: Uncertain significance (2). Last evaluated 2025-07-16.

Conditions:
Inborn genetic diseases. Identifiers: MedGen C0950123, MeSH D030342.

gnomAD v4.1: 4 of 1,614,116 alleles (0.00025%); highest among the groups gnomAD compares: Admixed American, 0.0067%; no homozygotes.

Submissions (2):

Ambry Genetics
Classification: Uncertain significance for Inborn genetic diseases. Last evaluated: 2025-07-16. Review status: criteria provided, single submitter. Criteria: Ambry Variant Classification Scheme 2023. Collection method: clinical testing. Allele origin: germline.

Labcorp Genetics (formerly Invitae), Labcorp
Classification: Uncertain significance. Last evaluated: 2025-04-09. Review status: criteria provided, single submitter. Criteria: Invitae Variant Classification Sherloc (09022015). Collection method: clinical testing. Allele origin: germline.
Comment: This sequence change replaces asparagine, which is neutral and polar, with serine, which is neutral and polar, at codon 2245 of the FLNB protein (p.Asn2245Ser). This variant is present in population databases (no rsID available, gnomAD 0.006%). This variant has not been reported in the literature in individuals affected with FLNB-related conditions. ClinVar contains an entry for this variant (Variation ID: 1931194). Invitae Evidence Modeling of protein sequence and biophysical properties (such as structural, functional, and spatial information, amino acid conservation, physicochemical variation, residue mobility, and thermodynamic stability) indicates that this missense variant is not expected to disrupt FLNB protein function with a negative predictive value of 95%. In summary, the available evidence is currently insufficient to determine the role of this variant in disease. Therefore, it has been classified as a Variant of Uncertain Significance.

NM_001457.4(FLNB):c.6734A>G (p.Asn2245Ser)

Gene: FLNB (filamin B; plus strand). Cytogenetic location: 3p14.3.
Variant type: single nucleotide variant.
Coding change: c.6734A>G on transcript NM_001457.4 (MANE Select); coding-DNA position 6734, A replaced by G.
Protein change: p.Asn2245Ser; replaces asparagine 2245 with serine.
Molecular consequence: missense variant.
Genome position (GRCh38, 1-based): chr3:58,154,890, A>G. VCF-style: chr3-58154890-A-G. GRCh37 (hg19) VCF-style: chr3-58140617-A-G.
Other names: c.6734A>G (NM_001457.3); c.6827A>G, p.Asn2276Ser (NM_001164317.2); c.6701A>G, p.Asn2234Ser (NM_001164318.2); c.6662A>G, p.Asn2221Ser (NM_001164319.2); short protein forms N2221S, N2234S, N2276S, N2245S.
Identifiers: ClinVar variation 1931194 (VCV001931194.6), dbSNP rs1050440418, ClinGen allele CA75477103.
Genomic context (GRCh38, chr3:58,154,890, plus strand): 5'-GCCTCTCCATCGCTGTTGAGGGCCCCAGTAAGGCCGAGATTACATTCGATGACCATAAAA[A>G]TGGGTCGTGCGGTGTATCTTATATTGCCCAAGAGCCTGGTATGTATTCAGGGTTCACAAG-3'
Protein context (NP_001448.2, residues 2235-2255): KAEITFDDHK[Asn2245Ser]GSCGVSYIAQ